The following is an entry in ClinVar:

ClinVar aggregate classification (germline): Likely benign. Review status: criteria provided, single submitter (1 of 4 stars). 2 submissions from 2 submitters: Likely benign (1). 1 of the submissions does not count toward it. Last evaluated 2025-02-16.

Conditions:
SLIT2-related disorder. Also called: SLIT2-related condition.

Allele frequency attached by ClinVar (database versions not stated): gnomAD exomes 0.00005; TOPMed 0.00005; ExAC 0.00007; gnomAD 0.00005; 1000 Genomes Project 30x 0.00016; 1000 Genomes Project 0.00020.
gnomAD v4.1: 78 of 1,614,002 alleles (0.0048%); highest among the groups gnomAD compares: Non-Finnish European, 0.0058%; no homozygotes.

Submissions (2):

Laboratory of Genetics, Children's Clinical University Hospital Latvia
Classification: Likely benign. Last evaluated: 2025-02-16. Review status: criteria provided, single submitter. Criteria: ACMG Guidelines, 2015. Collection method: clinical testing. Allele origin: germline. Affected: yes.

PreventionGenetics, part of Exact Sciences
Classification: Likely benign for SLIT2-related condition. Last evaluated: 2022-10-26. Review status: no assertion criteria provided. Collection method: clinical testing. Allele origin: germline. Not counted in ClinVar's aggregate classification.
Comment: This variant is classified as likely benign based on ACMG/AMP sequence variant interpretation guidelines (Richards et al. 2015 PMID: 25741868, with internal and published modifications).

NM_004787.4(SLIT2):c.3234C>T (p.Asp1078=)

Gene: SLIT2 (slit guidance ligand 2; plus strand). Cytogenetic location: 4p15.31.
Variant type: single nucleotide variant.
Coding change: c.3234C>T on transcript NM_004787.4 (MANE Select); coding-DNA position 3234, C replaced by T.
Protein change: p.Asp1078=; no amino-acid change (aspartic acid 1078 retained).
Molecular consequence: synonymous variant.
Genome position (GRCh38, 1-based): chr4:20,595,748, C>T. VCF-style: chr4-20595748-C-T. GRCh37 (hg19) VCF-style: chr4-20597371-C-T.
Other names: c.3222C>T, p.Asp1074= (NM_001289135.3); c.3210C>T, p.Asp1070= (NM_001289136.3).
Identifiers: ClinVar variation 3031150 (VCV003031150.3), dbSNP rs573018203, ClinGen allele CA2872120.
Genomic context (GRCh38, chr4:20,595,748, plus strand): 5'-TTCCAACAGATGTGACTGCACACCAGGGTACGTAGGTGAACACTGCGACATCGATTTTGA[C>T]GACTGCCAAGACAACAAGTGTAAAAACGGAGCCCACTGCACAGATGCAGTGAACGGCTAT-3'
Protein context (NP_004778.1, residues 1068-1088): YVGEHCDIDF[Asp1078=]DCQDNKCKNG